The following is an entry in ClinVar:

ClinVar aggregate classification (germline): Conflicting classifications of pathogenicity. Review status: criteria provided, conflicting classifications (1 of 4 stars). 2 submissions from 2 submitters: Uncertain significance (1); Likely benign (1). Last evaluated 2025-10-29.

Conditions:
Inborn genetic diseases. Identifiers: MedGen C0950123, MeSH D030342.
Spinocerebellar ataxia, autosomal recessive, with axonal neuropathy 2 (SCAN2). Also called: Ataxia with Oculomotor Apraxia Type 2; Ataxia-ocular apraxia-2; Ataxia with Oculomotor Apraxia; ATAXIA-OCULOMOTOR APRAXIA 2. Identifiers: Orphanet 64753, MedGen C1853761, MONDO:0018996, OMIM 606002.
Amyotrophic lateral sclerosis type 4 (ALS4). Also called: AMYOTROPHIC LATERAL SCLEROSIS 4, JUVENILE; NEURONOPATHY, DISTAL HEREDITARY MOTOR, WITH PYRAMIDAL FEATURES. Identifiers: Orphanet 357043, MedGen C1865409, MONDO:0011223, OMIM 602433.

gnomAD v4.1: 1 of 1,614,236 alleles (0.000062%); highest among the groups gnomAD compares: Non-Finnish European, 0.000085%; no homozygotes.

Submissions (2):

Ambry Genetics
Classification: Uncertain significance for Inborn genetic diseases. Last evaluated: 2025-10-29. Review status: criteria provided, single submitter. Criteria: Ambry Variant Classification Scheme 2023. Collection method: clinical testing. Allele origin: germline.
Comment: The c.6265T>A (p.Y2089N) alteration is located in exon 17 (coding exon 15) of the SETX gene. This alteration results from a T to A substitution at nucleotide position 6265, causing the tyrosine (Y) at amino acid position 2089 to be replaced by an asparagine (N). Based on data from gnomAD, the A allele has an overall frequency of <0.001% (1/251458) total alleles studied. The highest observed frequency was 0.001% (1/113748) of European (non-Finnish) alleles. Based on insufficient or conflicting evidence, the clinical significance of this alteration remains unclear.

Labcorp Genetics (formerly Invitae), Labcorp
Classification: Likely benign for Amyotrophic lateral sclerosis type 4; Spinocerebellar ataxia, autosomal recessive, with axonal neuropathy 2. Last evaluated: 2025-03-16. Review status: criteria provided, single submitter. Criteria: Invitae Variant Classification Sherloc (09022015). Collection method: clinical testing. Allele origin: germline.

NM_015046.7(SETX):c.6265T>A (p.Tyr2089Asn)

Gene: SETX (senataxin; minus strand). Cytogenetic location: 9q34.13.
Variant type: single nucleotide variant.
Coding change: c.6265T>A on transcript NM_015046.7 (MANE Select); coding-DNA position 6265, T replaced by A.
Protein change: p.Tyr2089Asn; replaces tyrosine 2089 with asparagine.
Molecular consequence: missense variant.
Genome position (GRCh38, 1-based): chr9:132,288,295, A>T on the plus strand (T>A on the coding strand, the complement: SETX is on the minus strand). VCF-style: chr9-132288295-A-T. GRCh37 (hg19) VCF-style: chr9-135163682-A-T.
Other names: c.6265T>A, p.Tyr2089Asn (NM_001351527.2, NM_001351528.2); short protein forms Y2089N.
Identifiers: ClinVar variation 4630639 (VCV004630639.2).